The following is an entry in ClinVar:

ClinVar aggregate classification (germline): Pathogenic. Review status: criteria provided, multiple submitters, no conflicts (2 of 4 stars). 2 submissions from 2 submitters: Pathogenic (2). Last evaluated 2026-04-10.

Conditions:
Junctional epidermolysis bullosa. Identifiers: Orphanet 305, MedGen C0079301, MONDO:0017612.

Submissions (2):

Myriad Genetics, Inc.
Classification: Pathogenic for Junctional epidermolysis bullosa. Last evaluated: 2026-04-10. Review status: criteria provided, single submitter. Criteria: Myriad Autosomal Dominant, Autosomal Recessive and X-Linked Classification Criteria (2023). Collection method: clinical testing. Allele origin: unknown.
Comment: NM_000228.2(LAMB3):c.1829G>A(W610*) is expected to be pathogenic in the context of junctional epidermolysis bullosa, LAMB3-related. This variant is predicted to lead to an abnormal or absent protein product due to the creation of a premature termination codon in LAMB3, a gene where loss-of-function variants are known to be pathogenic. Please note: this variant was assessed in the context of healthy population screening.

Labcorp Genetics (formerly Invitae), Labcorp
Classification: Pathogenic. Last evaluated: 2023-07-29. Review status: criteria provided, single submitter. Criteria: Invitae Variant Classification Sherloc (09022015). Collection method: clinical testing. Allele origin: germline.
Comment: For these reasons, this variant has been classified as Pathogenic. This premature translational stop signal has been observed in individuals with junctional epidermolysis bullosa (PMID: 30046887). This variant is not present in population databases (gnomAD no frequency). This sequence change creates a premature translational stop signal (p.Trp610*) in the LAMB3 gene. It is expected to result in an absent or disrupted protein product. Loss-of-function variants in LAMB3 are known to be pathogenic (PMID: 11023379, 16473856).

Literature cited by the submitters: PubMed 30046887 (cited by Labcorp Genetics (formerly Invitae), Labcorp); PubMed 11023379 (cited by Labcorp Genetics (formerly Invitae), Labcorp); PubMed 16473856 (cited by Labcorp Genetics (formerly Invitae), Labcorp).

NM_000228.3(LAMB3):c.1829G>A (p.Trp610Ter)

Gene: LAMB3 (laminin subunit beta 3; minus strand). Cytogenetic location: 1q32.2.
Variant type: single nucleotide variant.
Coding change: c.1829G>A on transcript NM_000228.3 (MANE Select); coding-DNA position 1829, G replaced by A.
Protein change: p.Trp610Ter; replaces tryptophan 610 with a stop codon.
Molecular consequence: nonsense.
Genome position (GRCh38, 1-based): chr1:209,625,795, C>T on the plus strand (G>A on the coding strand, the complement: LAMB3 is on the minus strand). VCF-style: chr1-209625795-C-T. GRCh37 (hg19) VCF-style: chr1-209799140-C-T.
Other names: c.1829G>A, p.Trp610Ter (NM_001017402.2, NM_001127641.1); short protein forms W610*.
Identifiers: ClinVar variation 2748153 (VCV002748153.4), dbSNP rs371154345, ClinGen allele CA344589312.